The following is an entry in ClinVar:

ClinVar aggregate classification (germline): Benign. Review status: criteria provided, multiple submitters, no conflicts (2 of 4 stars). 2 submissions from 2 submitters: Benign (2). Last evaluated 2018-01-13.

Conditions:
Ellis-van Creveld syndrome (EVC). Also called: EVC-Related Ellis-van Creveld Syndrome; EVC2-Related Ellis-van Creveld Syndrome; MESOECTODERMAL DYSPLASIA; Chondroectodermal dysplasia. Identifiers: Orphanet 289, MedGen C0013903, MONDO:0009162, OMIM 225500.

Allele frequency attached by ClinVar (database versions not stated): gnomAD 0.01539 and 0.01645; TOPMed 0.01705; 1000 Genomes Project 0.01797; 1000 Genomes Project 30x 0.01983.

Submissions (2):

Illumina Laboratory Services, Illumina
Classification: Benign for Ellis-van Creveld syndrome. Last evaluated: 2018-01-13. Review status: criteria provided, single submitter. Criteria: ICSL Variant Classification Criteria 13 December 2019. Collection method: clinical testing. Allele origin: germline.
Comment: This variant was observed in the ICSL laboratory as part of a predisposition screen in an ostensibly healthy population. It had not been previously curated by ICSL or reported in the Human Gene Mutation Database (HGMD: prior to June 1st, 2018), and was therefore a candidate for classification through an automated scoring system. Utilizing variant allele frequency, disease prevalence and penetrance estimates, and inheritance mode, an automated score was calculated to assess if this variant is too frequent to cause the disease. Based on the score and internal cut-off values, a variant classified as benign is not then subjected to further curation. The score for this variant resulted in a classification of benign for this disease.

Breakthrough Genomics
Classification: Benign. Review status: criteria provided, single submitter. Criteria: ACMG Guidelines, 2015. Collection method: not provided. Allele origin: germline. Inheritance: Autosomal recessive inheritance. Affected: yes.

NM_153717.3(EVC):c.*1849C>G

Gene: EVC (EvC ciliary complex subunit 1; plus strand). Cytogenetic location: 4p16.2.
Variant type: single nucleotide variant.
Coding change: c.*1849C>G on transcript NM_153717.3 (MANE Select); 1849 bases downstream of the stop codon, C replaced by G.
Molecular consequence: 3 prime UTR variant.
Genome position (GRCh38, 1-based): chr4:5,812,886, C>G. VCF-style: chr4-5812886-C-G. GRCh37 (hg19) VCF-style: chr4-5814613-C-G.
Other names: c.*1849C>G (NM_001306090.2).
Identifiers: ClinVar variation 349259 (VCV000349259.6), dbSNP rs75438311, ClinGen allele CA10618082.
Genomic context (GRCh38, chr4:5,812,886, plus strand): 5'-GACACTGCCCCGTGTCCATGGGGTTATCACCCACTGTGCTGAGTCAAAGGGTGCCTTGCC[C>G]TGGTCTAATCCAGGACATAGCCGTGGATACGTCCAAAAATCCCCAGAACCTAGTGAGCCC-3'